The following is an entry in ClinVar:

ClinVar aggregate classification (germline): Uncertain significance. Review status: criteria provided, multiple submitters, no conflicts (2 of 4 stars). 3 submissions from 3 submitters: Uncertain significance (3). Last evaluated 2024-09-10.

Conditions:
Cardiovascular phenotype. Identifiers: MedGen CN230736.

Submissions (3):

Blueprint Genetics
Classification: Uncertain significance. Last evaluated: 2024-09-10. Review status: criteria provided, single submitter. Criteria: ACMG Guidelines, 2015. Collection method: clinical testing. Allele origin: germline.

Ambry Genetics
Classification: Uncertain significance for Cardiovascular phenotype. Last evaluated: 2018-11-29. Review status: criteria provided, single submitter. Criteria: Ambry Variant Classification Scheme 2023. Collection method: clinical testing. Allele origin: germline.

Laboratory for Molecular Medicine, Mass General Brigham Personalized Medicine
Classification: Uncertain significance. Last evaluated: 2015-12-21. Review status: criteria provided, single submitter. Criteria: LMM Criteria. Collection method: clinical testing. Allele origin: germline. Observed: 1 variant allele.
Comment: Variant classified as Uncertain Significance - Favor Pathogenic. Histidine (His) at po sition 109 is highly conserved in mammals and across evolutionarily distant spec ies and the change to tyrosine (Tyr) was predicted to be pathogenic using a comp utational tool clinically validated by our laboratory. This tool's pathogenic pr ediction is estimated to be correct 94% of the time (Jordan 2011). In summary, w hile there is some suspicion for a pathogenic role, the clinical significance of the p.His109Tyr variant is uncertain.

NM_001276345.2(TNNT2):c.355C>T (p.His119Tyr)

Gene: TNNT2 (troponin T2, cardiac type; minus strand). Cytogenetic location: 1q32.1.
Variant type: single nucleotide variant.
Coding change: c.355C>T on transcript NM_001276345.2 (MANE Select); coding-DNA position 355, C replaced by T.
Protein change: p.His119Tyr; replaces histidine 119 with tyrosine.
Molecular consequence: missense variant. On other transcripts: intron variant (1).
Genome position (GRCh38, 1-based): chr1:201,365,247, G>A on the plus strand (C>T on the coding strand, the complement: TNNT2 is on the minus strand). VCF-style: chr1-201365247-G-A. GRCh37 (hg19) VCF-style: chr1-201334375-G-A.
Other names: c.355C>T, p.His119Tyr (NM_000364.4); c.325C>T, p.His109Tyr (NM_001001430.3, NM_001001431.3, NM_001276347.2); c.310C>T, p.His104Tyr (NM_001001432.3); c.291+363C>T (NM_001276346.2); short protein forms H109Y, H119Y, H104Y.
Identifiers: ClinVar variation 43633 (VCV000043633.7), dbSNP rs397516460, ClinGen allele CA004375.